The following is an entry in ClinVar:

NM_000363.5(TNNI3):c.532A>G (p.Lys178Glu)

Gene: TNNI3 (troponin I3, cardiac type; minus strand). Cytogenetic location: 19q13.42.
Variant type: single nucleotide variant.
Coding change: c.532A>G on transcript NM_000363.5 (MANE Select); coding-DNA position 532, A replaced by G.
Protein change: p.Lys178Glu; replaces lysine 178 with glutamic acid.
Molecular consequence: missense variant.
Genome position (GRCh38, 1-based): chr19:55,154,047, T>C on the plus strand (A>G on the coding strand, the complement: TNNI3 is on the minus strand). VCF-style: chr19-55154047-T-C. GRCh37 (hg19) VCF-style: chr19-55665415-T-C.
Other names: c.532A>G, p.Lys178Glu (LRG_432t1); short protein forms K178E.
Identifiers: ClinVar variation 12425 (VCV000012425.5), dbSNP rs104894730, ClinGen allele CA021835.
Genomic context (GRCh38, chr19:55,154,047, plus strand): 5'-CTTCCCCTCAGCATCCTCTTTCCTGGCCTTAGCCCACACTCACCTTCTCGGTGTCCTCCT[T>C]CTTCACCTGCTTGAGGTGGGCCCGCAGGTCCAGGGACTCCTTAGCCCGGGCCCCCAGCAG-3'
Protein context (NP_000354.4, residues 168-188): DLRAHLKQVK[Lys178Glu]EDTEKENREV

ClinVar aggregate classification (germline): Pathogenic. Review status: criteria provided, multiple submitters, no conflicts (2 of 4 stars). 4 submissions from 4 submitters: Pathogenic (3). 1 of the submissions does not count toward it. Last evaluated 2025-02-20.

Conditions:
TNNI3-related disorder. Also called: TNNI3-related disorders; TNNI3-related condition.
Hypertrophic cardiomyopathy 7. Also called: TNNI3-Related Familial Hypertrophic Cardiomyopathy; Familial hypertrophic cardiomyopathy 7; CARDIOMYOPATHY, FAMILIAL HYPERTROPHIC, 7, MODIFIER OF. Identifiers: MedGen C1860752, MONDO:0013369, OMIM 613690.
Cardiomyopathy, familial restrictive, 1. Identifiers: Orphanet 75249, MedGen C1861861, MONDO:0007270, OMIM 115210.

Submissions (4):

Victorian Clinical Genetics Services, Murdoch Childrens Research Institute
Classification: Pathogenic for Cardiomyopathy, familial restrictive, 1. Last evaluated: 2025-02-20. Review status: criteria provided, single submitter. Criteria: ACMG Guidelines, 2015. Collection method: clinical testing. Allele origin: germline. Affected: yes.
Comment: This variant is classified as Pathogenic. Evidence in support of pathogenic classification: Variant is absent from gnomAD (v2, v3 and v4); This variant has moderate previous evidence of pathogenicity in unrelated individuals. It has been reported in at least two individuals with restrictive cardiomyopathy, including one de novo occurence, as well as in an individual reported to have HCM (PMIDs: 12531876, 33583869, 27532257). In addition, it has been classified as pathogenic by one clinical laboratory (ClinVar); This variant has moderate functional evidence supporting abnormal protein function. In vitro actomyosin ATPase activity and skinned fibre studies showed that p.(Lys178Glu) has a significantly decreased ability to inhibit ATPase activity in the absence of Ca2+, as well as a considerable inability to inhibit force development at basal Ca2+ levels (PMIDs: 15961398, 16288990); Variant is located in a hotspot region or cluster of PATHOGENIC variants (DECIPHER); Missense variant predicted to be damaging by in silico tool(s) or highly conserved with a major amino acid change. Additional information: Variant is predicted to result in a missense amino acid change from lysine to glutamic acid; This variant is heterozygous; This gene is associated with both recessive and dominant disease. The recessive form of inheritance is the exception and has only been reported in a small number of families (PMIDs: 15070570, 23270746); Other missense variant(s) comparable to the one identified in this case have inconclusive previous evidence for pathogenicity. p.(Lys178Asn), p.(Lys178Thr) and p.(Lys178Arg) have been classified as variants of uncertain significance by clinical laboratories (ClinVar); Gain of function and loss of function are reported mechanisms of disease in this gene. The former is associated with familial restrictive cardiomyopathy 1 (MIM#115210) and hypertrophic cardiomyopathy 7 (MIM#613690), while the latter is associated with dilated cardiomyopathy 1FF (MIM#613286) (PMIDs: 19914256, 21533915); The condition associated with this gene has incomplete penetrance (PMIDs: 15607392, 32731933); Variants in this gene are known to have variable expressivity (PMID: 23270746); Inheritance information for this variant is not currently available in this individual.

Baylor Genetics
Classification: Pathogenic for Hypertrophic cardiomyopathy 7. Last evaluated: 2020-03-18. Review status: criteria provided, single submitter. Criteria: ACMG Guidelines, 2015. Collection method: clinical testing. Allele origin: unknown. Affected: yes.
Comment: This variant was determined to be pathogenic according to ACMG Guidelines, 2015 [PMID:25741868].

Blueprint Genetics
Classification: Pathogenic for TNNI3-related disorders. Last evaluated: 2018-12-27. Review status: criteria provided, single submitter. Criteria: ACMG Guidelines, 2015. Collection method: clinical testing. Allele origin: germline. Affected: yes. Observed: 2 variant alleles.

OMIM
Classification: Pathogenic for CARDIOMYOPATHY, FAMILIAL RESTRICTIVE, 1. Last evaluated: 2003-01-01. Review status: no assertion criteria provided. Collection method: literature only. Allele origin: germline. Not counted in ClinVar's aggregate classification.

Literature cited by the submitters: PubMed 33583869 (cited by Victorian Clinical Genetics Services, Murdoch Childrens Research Institute); PubMed 21533915 (cited by Victorian Clinical Genetics Services, Murdoch Childrens Research Institute); PubMed 15070570 (cited by Victorian Clinical Genetics Services, Murdoch Childrens Research Institute); PubMed 12531876 (cited by Victorian Clinical Genetics Services, Murdoch Childrens Research Institute and OMIM); PubMed 16288990 (cited by Victorian Clinical Genetics Services, Murdoch Childrens Research Institute); PubMed 15961398 (cited by Victorian Clinical Genetics Services, Murdoch Childrens Research Institute); PubMed 27532257 (cited by Victorian Clinical Genetics Services, Murdoch Childrens Research Institute); PubMed 32731933 (cited by Victorian Clinical Genetics Services, Murdoch Childrens Research Institute); PubMed 23270746 (cited by Victorian Clinical Genetics Services, Murdoch Childrens Research Institute); PubMed 15607392 (cited by Victorian Clinical Genetics Services, Murdoch Childrens Research Institute); PubMed 19914256 (cited by Victorian Clinical Genetics Services, Murdoch Childrens Research Institute); PubMed 10098965 (cited by OMIM).